The following is an entry in ClinVar:

ClinVar aggregate classification (germline): Pathogenic. Review status: reviewed by expert panel (3 of 4 stars). 3 submissions from 3 submitters: Pathogenic (1). 2 of the submissions do not count toward it. Last evaluated 2017-12-15.

Conditions:
Hereditary breast ovarian cancer syndrome. Also called: Breast and ovarian cancer; Hereditary breast and ovarian cancer; Hereditary breast and ovarian cancer syndrome; Hereditary breast and/or ovarian cancer syndrome; BRCA1- and BRCA2-Associated Hereditary Breast and Ovarian Cancer; Hereditary breast and ovarian cancer syndrome (HBOC). Identifiers: Orphanet 145, MedGen C0677776, MeSH D061325, MONDO:0003582. Disease mechanism: loss of function.
Breast-ovarian cancer, familial, susceptibility to, 1 (BROVCA1). Also called: BRCA1 Hereditary Breast and Ovarian Cancer; OVARIAN CANCER, SUSCEPTIBILITY TO. Identifiers: Orphanet 145, MedGen C2676676, MONDO:0011450, OMIM 604370. Disease mechanism: loss of function.
Hereditary cancer-predisposing syndrome. Also called: Tumor predisposition; Hereditary Cancer Syndrome; Neoplastic Syndromes, Hereditary; Hereditary neoplastic syndrome. Identifiers: Orphanet 140162, MedGen C0027672, MeSH D009386, MONDO:0015356.

Submissions (3):

Evidence-based Network for the Interpretation of Germline Mutant Alleles (ENIGMA)
Classification: Pathogenic for Breast-ovarian cancer, familial, susceptibility to, 1. Last evaluated: 2017-12-15. Review status: reviewed by expert panel. Criteria: ENIGMA BRCA1/2 Classification Criteria (2017-06-29). Collection method: curation. Allele origin: germline. Study: ENIGMA.
Comment: Variant allele predicted to encode a truncated non-functional protein.

Labcorp Genetics (formerly Invitae), Labcorp
Classification: Pathogenic for Hereditary breast ovarian cancer syndrome. Last evaluated: 2023-03-01. Review status: criteria provided, single submitter. Criteria: Invitae Variant Classification Sherloc (09022015). Collection method: clinical testing. Allele origin: germline. Not counted in ClinVar's aggregate classification.
Comment: For these reasons, this variant has been classified as Pathogenic. ClinVar contains an entry for this variant (Variation ID: 231289). This premature translational stop signal has been observed in individual(s) with a personal and/or family history of breast and/or ovarian cancer (PMID: 29752822). This variant is not present in population databases (gnomAD no frequency). This sequence change creates a premature translational stop signal (p.Lys906Argfs*94) in the BRCA1 gene. It is expected to result in an absent or disrupted protein product. Loss-of-function variants in BRCA1 are known to be pathogenic (PMID: 20104584).

Ambry Genetics
Classification: Pathogenic for Hereditary cancer-predisposing syndrome. Last evaluated: 2020-06-09. Review status: criteria provided, single submitter. Criteria: Ambry Variant Classification Scheme 2023. Collection method: clinical testing. Allele origin: germline. Not counted in ClinVar's aggregate classification.
Comment: The c.2717delA pathogenic mutation, located in coding exon 9 of the BRCA1 gene, results from a deletion of one nucleotide at nucleotide position 2717, causing a translational frameshift with a predicted alternate stop codon (p.K906Rfs*94). This mutation has been identified in a cohort of Chinese breast cancer patients (Li JY et al. Int. J. Cancer. 2019 01;144(2):281-289). In addition to the clinical data presented in the literature, this alteration is expected to result in loss of function by premature protein truncation or nonsense-mediated mRNA decay. As such, this alteration is interpreted as a disease-causing mutation.

Literature cited by the submitters: PubMed 29752822 (cited by Labcorp Genetics (formerly Invitae), Labcorp); PubMed 20104584 (cited by Labcorp Genetics (formerly Invitae), Labcorp).

NM_007294.4(BRCA1):c.2717del (p.Lys906fs)

Gene: BRCA1 (BRCA1 DNA repair associated; minus strand). Cytogenetic location: 17q21.31.
Variant type: Deletion.
Coding change: c.2717del on transcript NM_007294.4 (MANE Select); coding-DNA position 2717, one base deleted (A; older notation c.2717delA).
Protein change: p.Lys906fs; shifts the reading frame from lysine 906.
Molecular consequence: frameshift variant. On other transcripts: intron variant (137).
Genome position (GRCh38, 1-based): chr17:43,092,814, T deleted on the plus strand (A on the coding strand, the reverse complement: BRCA1 is on the minus strand); the first of 4 consecutive T bases (chr17:43,092,814-43,092,817); deleting any one gives the same sequence. VCF-style (leftmost placement, unchanged base first): chr17-43092813-CT-C. GRCh37 (hg19) VCF-style: chr17-41244830-CT-C.
Other names: c.2717delA (NM_007294.3); c.2504del, p.Lys835fs (NM_001407571.1, NM_001407853.1, NM_001407894.1 and 9 more transcripts); c.2717del, p.Lys906fs (NM_001407581.1, NM_001407582.1, NM_001407583.1 and 30 more transcripts); c.2714del, p.Lys905fs (NM_001407587.1, NM_001407590.1, NM_001407591.1 and 22 more transcripts); c.2708del, p.Lys903fs (NM_001407646.1, NM_001407647.1); c.2594del, p.Lys865fs (NM_001407648.1, NM_001407664.1, NM_001407665.1 and 19 more transcripts); c.2591del, p.Lys864fs (NM_001407649.1, NM_001407670.1, NM_001407671.1 and 11 more transcripts); c.2639del, p.Lys880fs (NM_001407653.1, NM_001407654.1, NM_001407655.1 and 4 more transcripts); and 43 more; short protein forms K859fs, K906fs, K794fs, K839fs, K864fs, K905fs, K795fs, K817fs.
Identifiers: ClinVar variation 231289 (VCV000231289.17), dbSNP rs876659072, ClinGen allele CA10580604.